The following is an entry in ClinVar:

NM_003743.5(NCOA1):c.484G>A (p.Val162Met)

Gene: NCOA1 (nuclear receptor coactivator 1; plus strand). Cytogenetic location: 2p23.3.
Variant type: single nucleotide variant.
Coding change: c.484G>A on transcript NM_003743.5 (MANE Select); coding-DNA position 484, G replaced by A.
Protein change: p.Val162Met; replaces valine 162 with methionine.
Molecular consequence: missense variant.
Genome position (GRCh38, 1-based): chr2:24,683,080, G>A. VCF-style: chr2-24683080-G-A. GRCh37 (hg19) VCF-style: chr2-24905949-G-A.
Other names: c.484G>A, p.Val162Met (NM_001362950.1, NM_001362952.1, NM_001362954.1 and 3 more transcripts); short protein forms V162M.
Identifiers: ClinVar variation 2555273 (VCV002555273.3), dbSNP rs375111492, ClinGen allele CA1552017.

ClinVar aggregate classification (germline): Uncertain significance. Review status: criteria provided, single submitter (1 of 4 stars). 2 submissions from 2 submitters: Uncertain significance (1). 1 of the submissions does not count toward it. Last evaluated 2023-06-01.

Conditions:
NCOA1-related disorder. Also called: NCOA1-related condition.

Allele frequency attached by ClinVar (database versions not stated): gnomAD exomes below 0.00001; TOPMed below 0.00001; ExAC 0.00002; ESP Exome Variant Server 0.00008.
gnomAD v4.1: 5 of 1,588,878 alleles (0.00031%); highest among the groups gnomAD compares: South Asian, 0.0024%; no homozygotes.

Submissions (2):

Ambry Genetics
Classification: Uncertain significance. Last evaluated: 2023-06-01. Review status: criteria provided, single submitter. Criteria: Ambry Variant Classification Scheme 2023. Collection method: clinical testing. Allele origin: germline.

PreventionGenetics, part of Exact Sciences
Classification: Uncertain significance for NCOA1-related condition. Last evaluated: 2024-03-11. Review status: no assertion criteria provided. Collection method: clinical testing. Allele origin: germline. Not counted in ClinVar's aggregate classification.
Comment: The NCOA1 c.484G>A variant is predicted to result in the amino acid substitution p.Val162Met. To our knowledge, this variant has not been reported in the literature. This variant is reported in 0.0065% of alleles in individuals of African descent in gnomAD. At this time, the clinical significance of this variant is uncertain due to the absence of conclusive functional and genetic evidence.